The following is an entry in ClinVar:

ClinVar aggregate classification (germline): Uncertain significance (1 of 4 stars; one submission).

Allele frequency attached by ClinVar (database versions not stated): TOPMed below 0.00001.

Submission:

Labcorp Genetics (formerly Invitae), Labcorp
Classification: Uncertain significance. Last evaluated: 2024-01-09. Review status: criteria provided, single submitter. Criteria: Invitae Variant Classification Sherloc (09022015). Collection method: clinical testing. Allele origin: germline.
Comment: This sequence change replaces glutamic acid, which is acidic and polar, with aspartic acid, which is acidic and polar, at codon 1011 of the ZSWIM6 protein (p.Glu1011Asp). This variant is not present in population databases (gnomAD no frequency). This variant has not been reported in the literature in individuals affected with ZSWIM6-related conditions. Advanced modeling of protein sequence and biophysical properties (such as structural, functional, and spatial information, amino acid conservation, physicochemical variation, residue mobility, and thermodynamic stability) performed at Invitae indicates that this missense variant is not expected to disrupt ZSWIM6 protein function with a negative predictive value of 80%. In summary, the available evidence is currently insufficient to determine the role of this variant in disease. Therefore, it has been classified as a Variant of Uncertain Significance.

NM_020928.2(ZSWIM6):c.3033G>C (p.Glu1011Asp)

Gene: ZSWIM6 (zinc finger SWIM-type containing 6; plus strand). Cytogenetic location: 5q12.1.
Variant type: single nucleotide variant.
Coding change: c.3033G>C on transcript NM_020928.2 (MANE Select); coding-DNA position 3033, G replaced by C.
Protein change: p.Glu1011Asp; replaces glutamic acid 1011 with aspartic acid.
Molecular consequence: missense variant.
Genome position (GRCh38, 1-based): chr5:61,543,702, G>C. VCF-style: chr5-61543702-G-C. GRCh37 (hg19) VCF-style: chr5-60839529-G-C.
Other names: short protein forms E1011D.
Identifiers: ClinVar variation 2881814 (VCV002881814.3), dbSNP rs1749804684, ClinGen allele CA359946708.